The following is an entry in ClinVar:

NM_000051.4(ATM):c.4776+7A>C

Gene: ATM (ATM serine/threonine kinase; plus strand). Cytogenetic location: 11q22.3.
Variant type: single nucleotide variant.
Coding change: c.4776+7A>C on transcript NM_000051.4 (MANE Select); 7 bases into the intron after coding-DNA position 4776, A replaced by C.
Molecular consequence: intron variant.
Genome position (GRCh38, 1-based): chr11:108,293,484, A>C. VCF-style: chr11-108293484-A-C. GRCh37 (hg19) VCF-style: chr11-108164211-A-C.
Other names: c.4776+7A>C (NM_001351834.2).
Identifiers: ClinVar variation 925024 (VCV000925024.12), dbSNP rs2082927524, ClinGen allele CA913188390.

ClinVar aggregate classification (germline): Likely benign. Review status: criteria provided, multiple submitters, no conflicts (2 of 4 stars). 3 submissions from 3 submitters: Likely benign (3). Last evaluated 2025-02-27.

Conditions:
Hereditary cancer-predisposing syndrome. Also called: Hereditary Cancer Syndrome; Hereditary neoplastic syndrome; Neoplastic Syndromes, Hereditary; Tumor predisposition. Identifiers: Orphanet 140162, MedGen C0027672, MeSH D009386, MONDO:0015356.
Familial cancer of breast. Also called: hereditary breast carcinoma; BREAST CANCER, FAMILIAL; Hereditary breast cancer. Identifiers: Orphanet 227535, MedGen C0346153, MONDO:0016419, OMIM 114480. Disease mechanism: loss of function.
Ataxia-telangiectasia syndrome (AT). Also called: Ataxia-telangiectasia, complementation group E; LOUIS-BAR SYNDROME; Cerebello-oculocutaneous telangiectasia; Immunodeficiency with ataxia telangiectasia; Ataxia-telangiectasia, complementation group D; AT, COMPLEMENTATION GROUP C. Identifiers: Orphanet 100, MedGen C0004135, MONDO:0008840, OMIM 208900.

Allele frequency attached by ClinVar (database versions not stated): gnomAD exomes below 0.00001.
gnomAD v4.1: 1 of 1,603,446 alleles (0.000062%); highest among the groups gnomAD compares: South Asian, 0.0011%; no homozygotes.

Submissions (3):

Labcorp Genetics (formerly Invitae), Labcorp
Classification: Likely benign for Ataxia-telangiectasia syndrome. Last evaluated: 2025-02-27. Review status: criteria provided, single submitter. Criteria: Invitae Variant Classification Sherloc (09022015). Collection method: clinical testing. Allele origin: germline.

Myriad Genetics, Inc.
Classification: Likely benign for Familial cancer of breast. Last evaluated: 2024-05-21. Review status: criteria provided, single submitter. Criteria: Myriad Autosomal Dominant, Autosomal Recessive and X-Linked Classification Criteria (2023). Collection method: clinical testing. Allele origin: unknown.
Comment: This variant is considered likely benign. This variant is intronic and is not expected to impact mRNA splicing.

Color Diagnostics, LLC DBA Color Health
Classification: Likely benign for Hereditary cancer-predisposing syndrome. Last evaluated: 2018-12-03. Review status: criteria provided, single submitter. Criteria: ACMG Guidelines, 2015. Collection method: clinical testing. Allele origin: germline.